The following is an entry in ClinVar:

ClinVar aggregate classification (germline): Pathogenic/Likely pathogenic. Review status: criteria provided, multiple submitters, no conflicts (2 of 4 stars). 7 submissions from 7 submitters: Pathogenic (5); Likely pathogenic (1). 1 of the submissions does not count toward it. Last evaluated 2026-02-03.

Conditions:
Tay-Sachs disease (TSD). Also called: HEXA DEFICIENCY; HEXA Disorders; GM2 gangliosidosis, type 1; Hexosaminidase alpha-subunit deficiency (variant B); Sphingolipidosis, Tay-Sachs; Hexosaminidase A Deficiency. Identifiers: Orphanet 845, MedGen C0039373, MONDO:0010100, OMIM 272800.

Allele frequency attached by ClinVar (database versions not stated): TOPMed below 0.00001; ExAC 0.00001; gnomAD 0.00001.
gnomAD v4.1: 16 of 1,614,042 alleles (0.00099%); highest among the groups gnomAD compares: Non-Finnish European, 0.0013%; no homozygotes.

Submissions (7):

GeneDx
Classification: Pathogenic. Last evaluated: 2026-02-03. Review status: criteria provided, single submitter. Criteria: GeneDx Variant Classification Process June 2021. Collection method: clinical testing. Allele origin: germline. Affected: yes.
Comment: Nonsense variant predicted to result in protein truncation or nonsense mediated decay in a gene for which loss of function is a known mechanism of disease; Not observed at significant frequency in large population cohorts (gnomAD); This variant is associated with the following publications: (PMID: 40015980, 37754769)

Labcorp Genetics (formerly Invitae), Labcorp
Classification: Pathogenic for Tay-Sachs disease. Last evaluated: 2026-02-01. Review status: criteria provided, single submitter. Criteria: Invitae Variant Classification Sherloc (09022015). Collection method: clinical testing. Allele origin: germline.
Comment: This sequence change creates a premature translational stop signal (p.Trp78*) in the HEXA gene. It is expected to result in an absent or disrupted protein product. Loss-of-function variants in HEXA are known to be pathogenic (PMID: 1833974, 8490625). This variant is present in population databases (rs769035623, gnomAD 0.0009%). This variant has not been reported in the literature in individuals affected with HEXA-related conditions. ClinVar contains an entry for this variant (Variation ID: 453185). For these reasons, this variant has been classified as Pathogenic.

Natera, Inc.
Classification: Pathogenic for Tay-Sachs disease. Last evaluated: 2026-01-07. Review status: criteria provided, single submitter. Criteria: Natera Variant Classification Schema (03/2026). Collection method: clinical testing. Allele origin: germline.
Comment: The c.233G>A variant in HEXA is a nonsense variant predicted to introduce a stop codon at amino acid 78. This variant is expected to result in nonsense mediated decay, truncation, or a dysfunctional protein product. This variant is rare in the general population with a frequency below the threshold expected for the associated phenotype(s). This variant has been observed in one or more individuals affected with the associated recessive disease, as either homozygous or compound heterozygous with a second variant (PMID: 37754769). Given the available evidence, this variant is classified as Pathogenic.

Mayo Clinic Laboratories, Mayo Clinic
Classification: Pathogenic. Last evaluated: 2023-04-19. Review status: criteria provided, single submitter. Criteria: ACMG Guidelines, 2015. Collection method: clinical testing. Allele origin: germline. Observed: 1 variant allele.
Comment: PP4, PM2, PM3_supporting, PVS1

Women's Health and Genetics/Laboratory Corporation of America, LabCorp
Classification: Likely pathogenic for Tay-Sachs disease. Last evaluated: 2022-10-03. Review status: criteria provided, single submitter. Criteria: LabCorp Variant Classification Summary - May 2015. Collection method: clinical testing. Allele origin: germline.
Comment: Variant summary: HEXA c.233G>A (p.Trp78X) results in a premature termination codon, predicted to cause a truncation of the encoded protein or absence of the protein due to nonsense mediated decay, which are commonly known mechanisms for disease. Truncations downstream of this position have been classified as pathogenic in ClinVar and is associated with Tay-Sachs Disease in HGMD. The variant allele was found at a frequency of 4e-06 in 251214 control chromosomes (gnomAD). To our knowledge, no occurrence of c.233G>A in individuals affected with Tay-Sachs Disease and no experimental evidence demonstrating its impact on protein function have been reported. Four clinical diagnostic laboratories have submitted clinical-significance assessments for this variant to ClinVar after 2014 and all classified the variant as pathogenic (n=3)/likely pathogenic(n=1). Based on the evidence outlined above, the variant was classified as likely pathogenic.

Victorian Clinical Genetics Services, Murdoch Childrens Research Institute
Classification: Pathogenic for Tay-Sachs disease. Last evaluated: 2020-06-11. Review status: criteria provided, single submitter. Criteria: ACMG Guidelines, 2015. Collection method: clinical testing. Allele origin: germline. Inheritance: Autosomal recessive inheritance. Affected: no.
Comment: Based on the classification scheme VCGS_Germline_v1.1.1, this variant is classified as Pathogenic. Following criteria are met: 0102 - Loss-of-function is a known mechanism of disease for this gene. (N) 0106 - This gene is known to be associated with autosomal recessive disease. (N) 0201 - Variant is predicted to cause nonsense-mediated decay (NMD) and loss of protein (exon 1 of 14). (P) 0251 - Variant is heterozygous. (N) 0304 - Variant is present in gnomAD <0.01 for a recessive condition (1 heterozygote, 0 homozygotes). (P) 0701 - Comparable variants have very strong previous evidence for pathogenicity. Other variants also predicted to result in NMD, have been reported in multiple patients with Tay-Sachs disease (Decipher, PMID: 31388111). (P) 0802 - Moderate previous evidence of pathogenicity in unrelated individuals. This variant has been reported as pathogenic in several patients with Tay Sachs disease (ClinVar, LOVD). (P) 0905 - No segregation evidence has been identified for this variant. (N) 1007 - No published functional evidence has been identified for this variant. (N) Legend: (P) - Pathogenic, (N) - Neutral, (B) - Benign

Counsyl
Classification: Likely pathogenic for Tay-Sachs disease. Last evaluated: 2019-01-24. Review status: no assertion criteria provided. Collection method: clinical testing. Allele origin: unknown. Not counted in ClinVar's aggregate classification.

Literature cited by the submitters: PubMed 1833974 (cited by Labcorp Genetics (formerly Invitae), Labcorp); PubMed 8490625 (cited by Labcorp Genetics (formerly Invitae), Labcorp); PubMed 37754769 (cited by Natera, Inc.); PubMed 31388111 (cited by Victorian Clinical Genetics Services, Murdoch Childrens Research Institute).

NM_000520.6(HEXA):c.233G>A (p.Trp78Ter)

Gene: HEXA (hexosaminidase subunit alpha; minus strand). Cytogenetic location: 15q23.
Variant type: single nucleotide variant.
Coding change: c.233G>A on transcript NM_000520.6 (MANE Select); coding-DNA position 233, G replaced by A.
Protein change: p.Trp78Ter; replaces tryptophan 78 with a stop codon.
Molecular consequence: nonsense. On other transcripts: non-coding transcript variant (1).
Genome position (GRCh38, 1-based): chr15:72,375,740, C>T on the plus strand (G>A on the coding strand, the complement: HEXA is on the minus strand). VCF-style: chr15-72375740-C-T. GRCh37 (hg19) VCF-style: chr15-72668081-C-T.
Other names: p.Trp78*; c.233G>A, p.Trp78Ter (NM_001318825.2); short protein forms W78*.
Identifiers: ClinVar variation 453185 (VCV000453185.17), dbSNP rs769035623, ClinGen allele CA7645087.